The following is an entry in ClinVar:

NM_001267550.2(TTN):c.49739G>A (p.Gly16580Asp)

Genes: TTN (titin; minus strand), TTN-AS1 (TTN antisense RNA 1; plus strand). Cytogenetic location: 2q31.2.
Variant type: single nucleotide variant.
Coding change: c.49739G>A on transcript NM_001267550.2 (MANE Select); coding-DNA position 49739, G replaced by A.
Protein change: p.Gly16580Asp; replaces glycine 16580 with aspartic acid.
Molecular consequence: missense variant.
Genome position (GRCh38, 1-based): chr2:178,612,982, C>T on the plus strand (G>A on the coding strand, the complement: TTN is on the minus strand). VCF-style: chr2-178612982-C-T. GRCh37 (hg19) VCF-style: chr2-179477709-C-T.
Other names: c.44816G>A, p.Gly14939Asp (NM_001256850.1); c.22544G>A, p.Gly7515Asp (NM_003319.4); c.42035G>A, p.Gly14012Asp (NM_133378.4); c.22919G>A, p.Gly7640Asp (NM_133432.3); c.23120G>A, p.Gly7707Asp (NM_133437.4); short protein forms G14012D, G7707D, G16580D, G7640D, G14939D, G7515D.
Identifiers: ClinVar variation 1788484 (VCV001788484.2), dbSNP rs1465327751, ClinGen allele CA349601246.

ClinVar aggregate classification (germline): Uncertain significance (1 of 4 stars; one submission).

Conditions:
Cardiovascular phenotype. Identifiers: MedGen CN230736.

Allele frequency attached by ClinVar (database versions not stated): gnomAD exomes below 0.00001; TOPMed below 0.00001; gnomAD 0.00001.
gnomAD v4.1: 7 of 1,612,664 alleles (0.00043%); highest among the groups gnomAD compares: Admixed American, 0.0033%; no homozygotes.

Submission:

Ambry Genetics
Classification: Uncertain significance for Cardiovascular phenotype. Last evaluated: 2019-05-02. Review status: criteria provided, single submitter. Criteria: Ambry Variant Classification Scheme 2023. Collection method: clinical testing. Allele origin: germline.
Comment: The p.G7515D variant (also known as c.22544G>A), located in coding exon 92 of the TTN gene, results from a G to A substitution at nucleotide position 22544. The glycine at codon 7515 is replaced by aspartic acid, an amino acid with similar properties. This amino acid position is highly conserved in available vertebrate species. In addition, the in silico prediction for this alteration is inconclusive. Since supporting evidence is limited at this time, the clinical significance of this alteration remains unclear.